The following is an entry in ClinVar:

ClinVar aggregate classification (germline): Uncertain significance. Review status: criteria provided, multiple submitters, no conflicts (2 of 4 stars). 2 submissions from 2 submitters: Uncertain significance (2). Last evaluated 2023-04-10.

Conditions:
Central core myopathy (CMYO1A). Also called: Central core disease; Myopathy, central fibrillar; CONGENITAL MYOPATHY 1A, AUTOSOMAL DOMINANT, WITH SUSCEPTIBILITY TO MALIGNANT HYPERTHERMIA. Identifiers: Orphanet 597, MedGen C5830701, MONDO:0007294, OMIM 117000.
Malignant hyperthermia, susceptibility to, 1 (MHS1). Also called: RYR1-Related Malignant Hyperthermia Susceptibility; Anesthesia related hyperthermia; Malignant hyperpyrexia; Fulminating hyperpyrexia; Pharmacogenic myopathy; Malignant hyperthermia suceptibility 1. Identifiers: Orphanet 423, MedGen C2930980, MONDO:0007783, OMIM 145600.

Allele frequency attached by ClinVar (database versions not stated): gnomAD 0.00001.
gnomAD v4.1: 3 of 1,613,986 alleles (0.00019%); highest among the groups gnomAD compares: Non-Finnish European, 0.00025%; no homozygotes.

Submissions (2):

All of Us Research Program, National Institutes of Health
Classification: Uncertain significance for Malignant hyperthermia, susceptibility to, 1. Last evaluated: 2023-04-10. Review status: criteria provided, single submitter. Criteria: ACMG Guidelines, 2015. Collection method: clinical testing. Allele origin: germline. Inheritance: Autosomal dominant inheritance. Observed: 1 variant allele, 1 heterozygote.
Comment: This missense variant replaces valine with leucine at codon 613 of the RYR1 protein. Computational prediction suggests that this variant may have deleterious impact on protein structure and function (internally defined REVEL score threshold >= 0.7, PMID: 27666373). To our knowledge, functional studies have not been reported for this variant. This variant has not been reported in individuals affected with RYR1-related disorders in the literature. This variant has been identified in 1/251496 chromosomes in the general population by the Genome Aggregation Database (gnomAD). The available evidence is insufficient to determine the role of this variant in disease conclusively. Therefore, this variant is classified as a Variant of Uncertain Significance.

This study involves interpretation of variants in research participants for the purpose of population health screening. Participant phenotype was not available at the time of variant classification. Additional details can be found in publication PMID: 35346344, PMCID: PMC8962531

MVZ Medizinische Genetik Mainz
Classification: Uncertain significance for Central core myopathy. Last evaluated: 2022-08-19. Review status: criteria provided, single submitter. Criteria: UK Practice Guidelines For Variant Classification V4 01 2020. Collection method: clinical testing. Allele origin: germline. Inheritance: Autosomal dominant inheritance. Affected: yes. Observed: 1 variant allele.
Comment: ACMG Criteria: PM2_SUP, PP3 (ACMG Version 4)

NM_000540.3(RYR1):c.1837G>C (p.Val613Leu)

Gene: RYR1 (ryanodine receptor 1; plus strand). Cytogenetic location: 19q13.2.
Variant type: single nucleotide variant.
Coding change: c.1837G>C on transcript NM_000540.3 (MANE Select); coding-DNA position 1837, G replaced by C.
Protein change: p.Val613Leu; replaces valine 613 with leucine.
Molecular consequence: missense variant.
Genome position (GRCh38, 1-based): chr19:38,457,542, G>C. VCF-style: chr19-38457542-G-C. GRCh37 (hg19) VCF-style: chr19-38948182-G-C.
Other names: c.1837G>C, p.Val613Leu (NM_001042723.2); short protein forms V613L.
Identifiers: ClinVar variation 3066267 (VCV003066267.2), dbSNP rs1169815000, ClinGen allele CA405693877.